The following is an entry in ClinVar:

ClinVar aggregate classification (germline): Uncertain significance (1 of 4 stars; one submission).

Allele frequency attached by ClinVar (database versions not stated): gnomAD exomes 0.00001.

Submission:

Labcorp Genetics (formerly Invitae), Labcorp
Classification: Uncertain significance. Last evaluated: 2023-11-28. Review status: criteria provided, single submitter. Criteria: Invitae Variant Classification Sherloc (09022015). Collection method: clinical testing. Allele origin: germline.
Comment: This sequence change replaces histidine, which is basic and polar, with arginine, which is basic and polar, at codon 33 of the PLK4 protein (p.His33Arg). This variant is not present in population databases (gnomAD no frequency). This variant has not been reported in the literature in individuals affected with PLK4-related conditions. ClinVar contains an entry for this variant (Variation ID: 1371904). An algorithm developed to predict the effect of missense changes on protein structure and function (PolyPhen-2) suggests that this variant is likely to be disruptive. In summary, the available evidence is currently insufficient to determine the role of this variant in disease. Therefore, it has been classified as a Variant of Uncertain Significance.

NM_014264.5(PLK4):c.98A>G (p.His33Arg)

Gene: PLK4 (polo like kinase 4; plus strand). Cytogenetic location: 4q28.1.
Variant type: single nucleotide variant.
Coding change: c.98A>G on transcript NM_014264.5 (MANE Select); coding-DNA position 98, A replaced by G.
Protein change: p.His33Arg; replaces histidine 33 with arginine.
Molecular consequence: missense variant. On other transcripts: 5 prime UTR variant (1).
Genome position (GRCh38, 1-based): chr4:127,881,898, A>G. VCF-style: chr4-127881898-A-G. GRCh37 (hg19) VCF-style: chr4-128803053-A-G.
Other names: c.98A>G, p.His33Arg (NM_001190799.2); c.-26A>G (NM_001190801.2); short protein forms H33R.
Identifiers: ClinVar variation 1371904 (VCV001371904.5), dbSNP rs1734945809, ClinGen allele CA358167173.